The following is an entry in ClinVar:

NM_001711.6(BGN):c.586G>C (p.Glu196Gln)

Gene: BGN (biglycan; plus strand). Cytogenetic location: Xq28.
Variant type: single nucleotide variant.
Coding change: c.586G>C on transcript NM_001711.6 (MANE Select); coding-DNA position 586, G replaced by C.
Protein change: p.Glu196Gln; replaces glutamic acid 196 with glutamine.
Molecular consequence: missense variant.
Genome position (GRCh38, 1-based): chrX:153,506,549, G>C. VCF-style: chrX-153506549-G-C. GRCh37 (hg19) VCF-style: chrX-152772007-G-C.
Other names: c.586G>C (NM_001711.5); short protein forms E196Q.
Identifiers: ClinVar variation 3480532 (VCV003480532.2).
Genomic context (GRCh38, chrX:153,506,549, plus strand): 5'-GGACCACCAGGCTCCCGGGCTAATGAGGTCTCTCCCCTAGAGATGGGCGGGAACCCACTG[G>C]AGAACAGTGGCTTTGAACCTGGAGCCTTCGATGGCCTGAAGCTCAACTACCTGCGCATCT-3'
Protein context (NP_001702.1, residues 186-206): NCIEMGGNPL[Glu196Gln]NSGFEPGAFD

ClinVar aggregate classification (germline): Conflicting classifications of pathogenicity. Review status: criteria provided, conflicting classifications (1 of 4 stars). 2 submissions from 2 submitters: Uncertain significance (1); Likely benign (1). Last evaluated 2024-10-29.

Conditions:
Cardiovascular phenotype. Identifiers: MedGen CN230736.

Submissions (2):

Ambry Genetics
Classification: Likely benign for Cardiovascular phenotype. Last evaluated: 2024-10-29. Review status: criteria provided, single submitter. Criteria: Ambry Variant Classification Scheme 2023. Collection method: clinical testing. Allele origin: germline.

GeneDx
Classification: Uncertain significance. Last evaluated: 2024-01-18. Review status: criteria provided, single submitter. Criteria: GeneDx Variant Classification Process June 2021. Collection method: clinical testing. Allele origin: germline. Affected: yes.
Comment: Not observed at significant frequency in large population cohorts (gnomAD); In silico analysis supports that this missense variant does not alter protein structure/function; Has not been previously published as pathogenic or benign to our knowledge; Variants in candidate genes are classified as variants of uncertain significance in accordance with ACMG guidelines (PMID: 25741868)